The following is an entry in ClinVar:

ClinVar aggregate classification (germline): Benign. Review status: criteria provided, multiple submitters, no conflicts (2 of 4 stars). 3 submissions from 3 submitters: Benign (2). 1 of the submissions does not count toward it. Last evaluated 2018-06-04.

Conditions:
KCNK9-related disorder. Also called: KCNK9-related condition.

Allele frequency attached by ClinVar (database versions not stated): gnomAD exomes 0.00019 and 0.00051; ExAC 0.00057; 1000 Genomes Project 30x 0.00156; ESP Exome Variant Server 0.00192; 1000 Genomes Project 0.00200; TOPMed 0.00210; gnomAD 0.00217 and 0.00218.
gnomAD v4.1: 633 of 1,613,674 alleles (0.039%); highest among the groups gnomAD compares: African/African-American, 0.76%; 6 homozygotes.

Submissions (3):

Labcorp Genetics (formerly Invitae), Labcorp
Classification: Benign. Last evaluated: 2018-06-04. Review status: criteria provided, single submitter. Criteria: Invitae Variant Classification Sherloc (09022015). Collection method: clinical testing. Allele origin: germline.

Breakthrough Genomics
Classification: Benign. Review status: criteria provided, single submitter. Criteria: ACMG Guidelines, 2015. Collection method: not provided. Allele origin: germline. Inheritance: Unknown mechanism. Affected: yes.

PreventionGenetics, part of Exact Sciences
Classification: Likely benign for KCNK9-related condition. Last evaluated: 2019-03-08. Review status: no assertion criteria provided. Collection method: clinical testing. Allele origin: germline. Not counted in ClinVar's aggregate classification.
Comment: This variant is classified as likely benign based on ACMG/AMP sequence variant interpretation guidelines (Richards et al. 2015 PMID: 25741868, with internal and published modifications).

NM_001282534.2(KCNK9):c.825C>T (p.Ile275=)

Gene: KCNK9 (potassium two pore domain channel subfamily K member 9; minus strand). Cytogenetic location: 8q24.3.
Variant type: single nucleotide variant.
Coding change: c.825C>T on transcript NM_001282534.2 (MANE Select); coding-DNA position 825, C replaced by T.
Protein change: p.Ile275=; no amino-acid change (isoleucine 275 retained).
Molecular consequence: synonymous variant. On other transcripts: non-coding transcript variant (1).
Genome position (GRCh38, 1-based): chr8:139,618,558, G>A on the plus strand (C>T on the coding strand, the complement: KCNK9 is on the minus strand). VCF-style: chr8-139618558-G-A. GRCh37 (hg19) VCF-style: chr8-140630801-G-A.
Identifiers: ClinVar variation 720392 (VCV000720392.6), dbSNP rs111673991, ClinGen allele CA4892562.